The following is an entry in ClinVar:

NM_018105.3(THAP1):c.-48C>T

Gene: THAP1 (THAP domain containing 1; minus strand). Cytogenetic location: 8p11.21.
Variant type: single nucleotide variant.
Coding change: c.-48C>T on transcript NM_018105.3 (MANE Select); 48 bases upstream of the start codon, C replaced by T.
Molecular consequence: 5 prime UTR variant.
Genome position (GRCh38, 1-based): chr8:42,843,142, G>A on the plus strand (C>T on the coding strand, the complement: THAP1 is on the minus strand). VCF-style: chr8-42843142-G-A. GRCh37 (hg19) VCF-style: chr8-42698285-G-A.
Other names: c.-48C>T (NM_199003.2).
Identifiers: ClinVar variation 363129 (VCV000363129.5), dbSNP rs377034494, ClinGen allele CA4734649.

ClinVar aggregate classification (germline): Benign (1 of 4 stars; one submission).

Conditions:
Torsion dystonia 6 (DYT6). Also called: DYT-THAP1. Identifiers: Orphanet 98806, MedGen C1414216, MONDO:0011264, OMIM 602629.

Allele frequency attached by ClinVar (database versions not stated): ESP Exome Variant Server 0.00008; ExAC 0.00012; gnomAD exomes 0.00016 and 0.00025; TOPMed 0.00019; gnomAD 0.00023 and 0.00024.
gnomAD v4.1: 391 of 1,609,764 alleles (0.024%); highest among the groups gnomAD compares: Non-Finnish European, 0.031%; no homozygotes.

Submission:

Illumina Laboratory Services, Illumina
Classification: Benign for Torsion dystonia 6. Last evaluated: 2018-01-12. Review status: criteria provided, single submitter. Criteria: ICSL Variant Classification Criteria 13 December 2019. Collection method: clinical testing. Allele origin: germline.
Comment: This variant was observed in the ICSL laboratory as part of a predisposition screen in an ostensibly healthy population. It had not been previously curated by ICSL or reported in the Human Gene Mutation Database (HGMD: prior to June 1st, 2018), and was therefore a candidate for classification through an automated scoring system. Utilizing variant allele frequency, disease prevalence and penetrance estimates, and inheritance mode, an automated score was calculated to assess if this variant is too frequent to cause the disease. Based on the score and internal cut-off values, a variant classified as benign is not then subjected to further curation. The score for this variant resulted in a classification of benign for this disease.